The following is an entry in ClinVar:

NM_001378615.1(CC2D2A):c.3211_3220del (p.Arg1071fs)

Genes: CC2D2A (coiled-coil and C2 domain containing 2A; plus strand), FBXL5 (F-box and leucine rich repeat protein 5; minus strand). Cytogenetic location: 4p15.32.
Variant type: Deletion.
Coding change: c.3211_3220del on transcript NM_001378615.1 (MANE Select); coding-DNA positions 3211 to 3220, 10 bases deleted (AGGATGTTCA; older notation c.3211_3220delAGGATGTTCA).
Protein change: p.Arg1071fs; shifts the reading frame from arginine 1071.
Molecular consequence: frameshift variant.
Genome position (GRCh38, 1-based): chr4:15,567,405-15,567,414, AGGATGTTCA deleted; deleting any 10 consecutive bases within chr4:15,567,401-15,567,414 gives the same sequence; the c. name uses the placement nearest the transcript's 3' end. VCF-style (leftmost placement, unchanged base first): chr4-15567400-CTTCAAGGATG-C. GRCh37 (hg19) VCF-style: chr4-15569023-CTTCAAGGATG-C.
Other names: c.3211_3220del, p.Arg1071fs (NM_001080522.2); c.3064_3073del, p.Arg1022fs (NM_001378617.1); short protein forms R1022fs, R1071fs.
Identifiers: ClinVar variation 973861 (VCV000973861.1), dbSNP rs1719933188, ClinGen allele CA1139658439.

ClinVar aggregate classification (germline): Likely pathogenic (1 of 4 stars; one submission).

Conditions:
COACH syndrome 1. Identifiers: Orphanet 1454, MedGen C5435651, MONDO:0800103, OMIM 216360, MONDO:0008996.
Meckel syndrome, type 6. Identifiers: Orphanet 564, MedGen C2676790, MONDO:0012848, OMIM 612284.
Joubert syndrome 9 (JBTS9). Identifiers: Orphanet 2318, MedGen C2676788, MONDO:0012849, OMIM 612285.

Submission:

Johns Hopkins Genomics, Johns Hopkins University
Classification: Likely pathogenic for COACH syndrome 1; Meckel syndrome, type 6; Joubert syndrome 9. Last evaluated: 2020-05-08. Review status: criteria provided, single submitter. Criteria: ACMG Guidelines, 2015. Collection method: clinical testing. Allele origin: germline.
Comment: This frameshift variant results in a premature stop codon, likely leading to nonsense-mediated decay and lack of protein production. This CC2D2A variant is absent from a large population dataset and has not been reported in ClinVar nor the literature, to our knowledge. We consider this variant to be likely pathogenic.